The following is an entry in ClinVar:

ClinVar aggregate classification (germline): Uncertain significance (1 of 4 stars; one submission).

Submission:

Laboratorio de Genetica e Diagnostico Molecular, Hospital Israelita Albert Einstein
Classification: Uncertain significance. Last evaluated: 2021-11-23. Review status: criteria provided, single submitter. Criteria: ACMG Guidelines, 2015. Collection method: clinical testing. Allele origin: germline. Affected: yes.
Comment: ACMG classification criteria: PM2, BP4

NM_001371928.1(AHDC1):c.4073C>G (p.Thr1358Ser)

Gene: AHDC1 (AT-hook DNA binding motif containing 1; minus strand). Cytogenetic location: 1p36.11.
Variant type: single nucleotide variant.
Coding change: c.4073C>G on transcript NM_001371928.1 (MANE Select); coding-DNA position 4073, C replaced by G.
Protein change: p.Thr1358Ser; replaces threonine 1358 with serine.
Molecular consequence: missense variant.
Genome position (GRCh38, 1-based): chr1:27,548,043, G>C on the plus strand (C>G on the coding strand, the complement: AHDC1 is on the minus strand). VCF-style: chr1-27548043-G-C. GRCh37 (hg19) VCF-style: chr1-27874554-G-C.
Other names: c.4073C>G, p.Thr1358Ser (NM_001029882.3); short protein forms T1358S.
Identifiers: ClinVar variation 1690505 (VCV001690505.2), dbSNP rs886044186, ClinGen allele CA339223851.